The following is an entry in ClinVar:

NM_000548.5(TSC2):c.3620dup (p.Ser1207fs)

Gene: TSC2 (TSC complex subunit 2; plus strand). Cytogenetic location: 16p13.3.
Variant type: Duplication.
Coding change: c.3620dup on transcript NM_000548.5 (MANE Select); coding-DNA position 3620, one base duplicated (G; older notation c.3620dupG).
Protein change: p.Ser1207fs; shifts the reading frame from serine 1207.
Molecular consequence: frameshift variant.
Genome position (GRCh38, 1-based): chr16:2,081,604, G duplicated. VCF-style (leftmost placement, unchanged base first): chr16-2081603-A-AG. GRCh37 (hg19) VCF-style: chr16-2131604-A-AG.
Other names: c.3488dup, p.Ser1163fs (NM_001077183.3, NM_001370404.1); c.3620dup, p.Ser1207fs (NM_001114382.3); c.3380dup, p.Ser1127fs (NM_001318827.2); c.3344dup, p.Ser1115fs (NM_001318829.2); c.2888dup, p.Ser963fs (NM_001318831.2); c.3521dup, p.Ser1174fs (NM_001318832.2); c.3491dup, p.Ser1164fs (NM_001363528.2, NM_001370405.1, NM_021055.3); short protein forms S1115fs, S1127fs, S1163fs, S1164fs, S1174fs, S1207fs, S963fs.
Identifiers: ClinVar variation 1075958 (VCV001075958.7), dbSNP rs2151480775, ClinGen allele CA2499223328.

ClinVar aggregate classification (germline): Pathogenic (1 of 4 stars; one submission).

Conditions:
Tuberous sclerosis 2 (TSC2). Identifiers: Orphanet 805, MedGen C1860707, MONDO:0013199, OMIM 613254.

Submission:

Labcorp Genetics (formerly Invitae), Labcorp
Classification: Pathogenic for Tuberous sclerosis 2. Last evaluated: 2020-02-21. Review status: criteria provided, single submitter. Criteria: Invitae Variant Classification Sherloc (09022015). Collection method: clinical testing. Allele origin: germline.
Comment: This variant is not present in population databases (ExAC no frequency). For these reasons, this variant has been classified as Pathogenic. Loss-of-function variants in TSC2 are known to be pathogenic (PMID: 10205261, 17304050). This variant has not been reported in the literature in individuals with TSC2-related conditions. This sequence change creates a premature translational stop signal (p.Ser1207Argfs*27) in the TSC2 gene. It is expected to result in an absent or disrupted protein product.

Literature cited by the submitters: PubMed 10205261; PubMed 17304050.